The following is an entry in ClinVar:

NM_000275.3(OCA2):c.2035T>C (p.Trp679Arg)

Gene: OCA2 (OCA2 melanosomal transmembrane protein; minus strand). Cytogenetic location: 15q13.1.
Variant type: single nucleotide variant.
Coding change: c.2035T>C on transcript NM_000275.3 (MANE Select); coding-DNA position 2035, T replaced by C.
Protein change: p.Trp679Arg; replaces tryptophan 679 with arginine.
Molecular consequence: missense variant.
Genome position (GRCh38, 1-based): chr15:27,926,171, A>G on the plus strand (T>C on the coding strand, the complement: OCA2 is on the minus strand). VCF-style: chr15-27926171-A-G. GRCh37 (hg19) VCF-style: chr15-28171317-A-G.
Other names: c.1963T>C, p.Trp655Arg (NM_001300984.2); short protein forms W655R, W679R.
Identifiers: ClinVar variation 1678658 (VCV001678658.4), dbSNP rs751822606, ClinGen allele CA7438791.
Genomic context (GRCh38, chr15:27,926,171, plus strand): 5'-AGTTCTAAAATCTTACCTCCATCAGAACAAAGAGCGCTGCAAAAAACAGAAGGGTTGCCC[A>G]TTCCACTCTGTGTAGAATTATCTCAAAATCATGAATATCAGCTAAAATTAGCAACCAGAT-3'
Protein context (NP_000266.2, residues 669-689): DFEIILHRVE[Trp679Arg]ATLLFFAALF

ClinVar aggregate classification (germline): Conflicting classifications of pathogenicity. Review status: criteria provided, conflicting classifications (1 of 4 stars). 3 submissions from 3 submitters: Likely pathogenic (2); Uncertain significance (1). Last evaluated 2026-02-13.

Conditions:
Albinism or congenital nystagmus.

Allele frequency attached by ClinVar (database versions not stated): gnomAD exomes below 0.00001; TOPMed below 0.00001; ExAC 0.00001; gnomAD 0.00001.
gnomAD v4.1: 2 of 1,614,036 alleles (0.00012%); highest among the groups gnomAD compares: African/African-American, 0.0027%; no homozygotes.

Submissions (3):

North West Genomic Laboratory Hub, Manchester University NHS Foundation Trust
Classification: Likely pathogenic for Albinism or congenital nystagmus. Last evaluated: 2026-02-13. Review status: criteria provided, single submitter. Criteria: ACGS Best Practice Guidelines for Variant Classification in Rare Disease 2024. Collection method: clinical testing. Allele origin: germline. Affected: yes.
Comment: PP3_Supp PM2_Mod PM3_Mod PM5_Mod

Women's Health and Genetics/Laboratory Corporation of America, LabCorp
Classification: Uncertain significance. Last evaluated: 2024-11-19. Review status: criteria provided, single submitter. Criteria: LabCorp Variant Classification Summary - May 2015. Collection method: clinical testing. Allele origin: germline.
Comment: Variant summary: OCA2 c.2035T>C (p.Trp679Arg) results in a non-conservative amino acid change located in the Citrate transporter domain (IPR004680) of the encoded protein sequence. Five of five in-silico tools predict a damaging effect of the variant on protein function. The variant allele was found at a frequency of 4e-06 in 251282 control chromosomes. The available data on variant occurrences in the general population are insufficient to allow any conclusion about variant significance. c.2035T>C has been reported in the literature in a hemizygous individual affected with Oculocutaneous Albinism with the genotype a result of a chromosome 15q deletion opposite the variant leading to an additional Prader-Willi phenotype in the patient (e.g. Lee_1994). These data do not allow any conclusion about variant significance. To our knowledge, no experimental evidence demonstrating an impact on protein function has been reported. The following publication has been ascertained in the context of this evaluation (PMID: 7874125). ClinVar contains an entry for this variant (Variation ID: 1678658). Based on the evidence outlined above, the variant was classified as uncertain significance.

GeneDx
Classification: Likely pathogenic. Last evaluated: 2022-01-13. Review status: criteria provided, single submitter. Criteria: GeneDx Variant Classification Process June 2021. Collection method: clinical testing. Allele origin: germline. Affected: yes.
Comment: Not observed at significant frequency in large population cohorts (gnomAD); In silico analysis supports that this missense variant has a deleterious effect on protein structure/function; This variant is associated with the following publications: (PMID: 7874125)

Literature cited by the submitters: PubMed 7874125 (cited by Women's Health and Genetics/Laboratory Corporation of America, LabCorp).